The following is an entry in ClinVar:

ClinVar aggregate classification (germline): Uncertain significance. Review status: criteria provided, multiple submitters, no conflicts (2 of 4 stars). 3 submissions from 3 submitters: Uncertain significance (3). Last evaluated 2025-09-02.

Conditions:
Inborn genetic diseases. Identifiers: MedGen C0950123, MeSH D030342.

Allele frequency attached by ClinVar (database versions not stated): ExAC 0.00002; gnomAD exomes 0.00003; 1000 Genomes Project 0.00040; 1000 Genomes Project 30x 0.00047.

Submissions (3):

Labcorp Genetics (formerly Invitae), Labcorp
Classification: Uncertain significance. Last evaluated: 2025-09-02. Review status: criteria provided, single submitter. Criteria: Invitae Variant Classification Sherloc (09022015). Collection method: clinical testing. Allele origin: germline.
Comment: This sequence change replaces valine, which is neutral and non-polar, with leucine, which is neutral and non-polar, at codon 157 of the ZNF408 protein (p.Val157Leu). This variant is present in population databases (rs560579023, gnomAD 0.04%). This variant has not been reported in the literature in individuals affected with ZNF408-related conditions. ClinVar contains an entry for this variant (Variation ID: 1461720). An algorithm developed to predict the effect of missense changes on protein structure and function (PolyPhen-2) suggests that this variant is likely to be disruptive. In summary, the available evidence is currently insufficient to determine the role of this variant in disease. Therefore, it has been classified as a Variant of Uncertain Significance.

Ambry Genetics
Classification: Uncertain significance for Inborn genetic diseases. Last evaluated: 2024-03-18. Review status: criteria provided, single submitter. Criteria: Ambry Variant Classification Scheme 2023. Collection method: clinical testing. Allele origin: germline.

Blueprint Genetics
Classification: Uncertain significance. Last evaluated: 2020-04-27. Review status: criteria provided, single submitter. Criteria: ACMG Guidelines, 2015. Collection method: clinical testing. Allele origin: germline.

NM_024741.3(ZNF408):c.469G>C (p.Val157Leu)

Gene: ZNF408 (zinc finger protein 408; plus strand). Cytogenetic location: 11p11.2.
Variant type: single nucleotide variant.
Coding change: c.469G>C on transcript NM_024741.3 (MANE Select); coding-DNA position 469, G replaced by C.
Protein change: p.Val157Leu; replaces valine 157 with leucine.
Molecular consequence: missense variant.
Genome position (GRCh38, 1-based): chr11:46,703,060, G>C. VCF-style: chr11-46703060-G-C. GRCh37 (hg19) VCF-style: chr11-46724610-G-C.
Other names: c.445G>C, p.Val149Leu (NM_001184751.2); c.469G>C (NM_024741.2); short protein forms V149L, V157L.
Identifiers: ClinVar variation 1461720 (VCV001461720.8), dbSNP rs560579023, ClinGen allele CA5966355.